The following is an entry in ClinVar:

NM_001370466.1(NOD2):c.1296C>T (p.Arg432=)

Gene: NOD2 (nucleotide binding oligomerization domain containing 2; plus strand). Cytogenetic location: 16q12.1.
Variant type: single nucleotide variant.
Coding change: c.1296C>T on transcript NM_001370466.1 (MANE Select); coding-DNA position 1296, C replaced by T.
Protein change: p.Arg432=; no amino-acid change (arginine 432 retained).
Molecular consequence: synonymous variant. On other transcripts: non-coding transcript variant (1).
Genome position (GRCh38, 1-based): chr16:50,711,288, C>T. VCF-style: chr16-50711288-C-T. GRCh37 (hg19) VCF-style: chr16-50745199-C-T.
Other names: p.Arg459=; c.1296C>T, p.Arg432= (NM_001293557.2); c.1377C>T, p.Arg459= (NM_022162.3).
Identifiers: ClinVar variation 319445 (VCV000319445.41), dbSNP rs2066843, ClinGen allele CA8051531.

ClinVar aggregate classification (germline): Benign/Likely benign. Review status: criteria provided, multiple submitters, no conflicts (2 of 4 stars). 12 submissions from 11 submitters: Benign (9); Likely benign (1). 2 of the submissions do not count toward it. Last evaluated 2026-02-04.

Conditions:
Inflammatory bowel disease 1 (IBD1). Also called: INFLAMMATORY BOWEL DISEASE (CROHN DISEASE) 1; Inflammatory bowel disease 1, Crohn disease. Identifiers: MedGen CN260071, MONDO:0009960, OMIM 266600.
Blau syndrome (BLAUS). Also called: GRANULOMATOSIS, FAMILIAL JUVENILE SYSTEMIC; GRANULOMATOSIS, FAMILIAL, BLAU TYPE; GRANULOMATOUS INFLAMMATORY ARTHRITIS, DERMATITIS, AND UVEITIS, FAMILIAL; JABS SYNDROME; ARTHROCUTANEOUVEAL GRANULOMATOSIS. Identifiers: Orphanet 90340, MedGen C5201146, MONDO:0008523, OMIM 186580.
Regional enteritis. Also called: Enteritis, Granulomatous. Identifiers: MedGen C0678202, MeSH D003424.

Allele frequency attached by ClinVar (database versions not stated): 1000 Genomes Project 0.10763; 1000 Genomes Project 30x 0.11337; gnomAD 0.17266; TOPMed 0.17943; gnomAD exomes 0.18987; ESP Exome Variant Server 0.20194.
gnomAD v4.1: 379,036 of 1,613,584 alleles (23%); highest among the groups gnomAD compares: Non-Finnish European, 27%; 49,664 homozygotes.

Submissions (12):

Labcorp Genetics (formerly Invitae), Labcorp
Classification: Benign for Regional enteritis; Blau syndrome. Last evaluated: 2026-02-04. Review status: criteria provided, single submitter. Criteria: Invitae Variant Classification Sherloc (09022015). Collection method: clinical testing. Allele origin: germline.

Women's Health and Genetics/Laboratory Corporation of America, LabCorp
Classification: Benign. Last evaluated: 2026-01-21. Review status: criteria provided, single submitter. Criteria: LabCorp Variant Classification Summary - May 2015. Collection method: clinical testing. Allele origin: germline.

ARUP Laboratories, Molecular Genetics and Genomics, ARUP Laboratories
Classification: Benign. Last evaluated: 2025-07-09. Review status: criteria provided, single submitter. Criteria: ARUP Molecular Germline Variant Investigation Process 2024. Collection method: clinical testing. Allele origin: germline.

Blueprint Genetics
Classification: Likely benign. Last evaluated: 2024-11-27. Review status: criteria provided, single submitter. Criteria: ACMG Guidelines, 2015. Collection method: clinical testing. Allele origin: germline.

Unidad de Genómica Garrahan, Hospital de Pediatría Garrahan
Classification: Benign. Last evaluated: 2023-11-12. Review status: criteria provided, single submitter. Criteria: ACMG Guidelines, 2015. Collection method: clinical testing. Allele origin: germline. Affected: no. Observed: 31 variant alleles.
Comment: This variant is classified as Benign based on local population frequency. This variant was detected in 32% of patients studied by a panel of primary immunodeficiencies. Number of patients: 31. Only high quality variants are reported.

Mayo Clinic Laboratories, Mayo Clinic
Classification: Benign. Last evaluated: 2018-04-11. Review status: criteria provided, single submitter. Criteria: ACMG Guidelines, 2015. Collection method: clinical testing. Allele origin: germline. Observed: 401 variant alleles.

Illumina Laboratory Services, Illumina
Classification: Benign for Blau syndrome. Last evaluated: 2018-01-13. Review status: criteria provided, single submitter. Criteria: ICSL Variant Classification Criteria 13 December 2019. Collection method: clinical testing. Allele origin: germline.
Comment: This variant was observed in the ICSL laboratory as part of a predisposition screen in an ostensibly healthy population. It had not been previously curated by ICSL or reported in the Human Gene Mutation Database (HGMD: prior to June 1st, 2018), and was therefore a candidate for classification through an automated scoring system. Utilizing variant allele frequency, disease prevalence and penetrance estimates, and inheritance mode, an automated score was calculated to assess if this variant is too frequent to cause the disease. Based on the score and internal cut-off values, a variant classified as benign is not then subjected to further curation. The score for this variant resulted in a classification of benign for this disease.

Illumina Laboratory Services, Illumina
Classification: Benign for Inflammatory bowel disease 1. Last evaluated: 2018-01-13. Review status: criteria provided, single submitter. Criteria: ICSL Variant Classification Criteria 13 December 2019. Collection method: clinical testing. Allele origin: germline.
Comment: the same text as in the submission from Illumina Laboratory Services, Illumina above.

Laboratory for Molecular Medicine, Mass General Brigham Personalized Medicine
Classification: Benign. Last evaluated: 2016-03-29. Review status: criteria provided, single submitter. Criteria: LMM Criteria. Collection method: clinical testing. Allele origin: germline.
Comment: Variant identified in a genome or exome case(s) and assessed due to predicted null impact of the variant or pathogenic assertions in the literature or databases. Disclaimer: This variant has not undergone full assessment. The following are preliminary notes: Frequency

Breakthrough Genomics
Classification: Benign. Review status: criteria provided, single submitter. Criteria: ACMG Guidelines, 2015. Collection method: not provided. Allele origin: germline. Inheritance: Multifactorial inheritance. Affected: yes.

Diagnostic Laboratory, Department of Genetics, University Medical Center Groningen
Classification: Benign. Review status: no assertion criteria provided. Collection method: clinical testing. Allele origin: germline. Affected: yes. Study: VKGL Data-share Consensus. Not counted in ClinVar's aggregate classification.

Genome Diagnostics Laboratory, University Medical Center Utrecht
Classification: Benign. Review status: no assertion criteria provided. Collection method: clinical testing. Allele origin: germline. Affected: yes. Study: VKGL Data-share Consensus. Not counted in ClinVar's aggregate classification.